The following is an entry in ClinVar:

ClinVar aggregate classification (germline): Uncertain significance (1 of 4 stars; one submission).

Submission:

Mayo Clinic Laboratories, Mayo Clinic
Classification: Uncertain significance. Last evaluated: 2025-10-03. Review status: criteria provided, single submitter. Criteria: ACMG Guidelines, 2015. Collection method: clinical testing. Allele origin: germline. Observed: 1 variant allele.
Comment: BP4, PM2_supporting

NM_017617.5(NOTCH1):c.2735G>T (p.Arg912Leu)

Gene: NOTCH1 (notch receptor 1; minus strand). Cytogenetic location: 9q34.3.
Variant type: single nucleotide variant.
Coding change: c.2735G>T on transcript NM_017617.5 (MANE Select); coding-DNA position 2735, G replaced by T.
Protein change: p.Arg912Leu; replaces arginine 912 with leucine.
Molecular consequence: missense variant.
Genome position (GRCh38, 1-based): chr9:136,510,658, C>A on the plus strand (G>T on the coding strand, the complement: NOTCH1 is on the minus strand). VCF-style: chr9-136510658-C-A. GRCh37 (hg19) VCF-style: chr9-139405110-C-A.
Other names: p.Arg912Leu; short protein forms R912L.
Identifiers: ClinVar variation 4541523 (VCV004541523.1).